The following is an entry in ClinVar:

NM_001256545.2(MEGF10):c.2211G>C (p.Trp737Cys)

Gene: MEGF10 (multiple EGF like domains 10; plus strand). Cytogenetic location: 5q23.2.
Variant type: single nucleotide variant.
Coding change: c.2211G>C on transcript NM_001256545.2 (MANE Select); coding-DNA position 2211, G replaced by C.
Protein change: p.Trp737Cys; replaces tryptophan 737 with cysteine.
Molecular consequence: missense variant.
Genome position (GRCh38, 1-based): chr5:127,438,545, G>C. VCF-style: chr5-127438545-G-C. GRCh37 (hg19) VCF-style: chr5-126774237-G-C.
Other names: c.2211G>C, p.Trp737Cys (NM_032446.3); short protein forms W737C.
Identifiers: ClinVar variation 845560 (VCV000845560.11), dbSNP rs1765640354, ClinGen allele CA360733002.

ClinVar aggregate classification (germline): Uncertain significance. Review status: criteria provided, multiple submitters, no conflicts (2 of 4 stars). 2 submissions from 2 submitters: Uncertain significance (2). Last evaluated 2019-05-31.

Conditions:
MEGF10-related myopathy (CMYO10A). Also called: Congenital myopathy 10A, severe variant. Identifiers: Orphanet 439212, MedGen C3280679, MONDO:0013731, OMIM 614399.

Submissions (2):

Blueprint Genetics
Classification: Uncertain significance. Last evaluated: 2019-05-31. Review status: criteria provided, single submitter. Criteria: ACMG Guidelines, 2015. Collection method: clinical testing. Allele origin: germline.

Labcorp Genetics (formerly Invitae), Labcorp
Classification: Uncertain significance for MEGF10-related myopathy. Last evaluated: 2019-02-22. Review status: criteria provided, single submitter. Criteria: Invitae Variant Classification Sherloc (09022015). Collection method: clinical testing. Allele origin: germline.
Comment: In summary, the available evidence is currently insufficient to determine the role of this variant in disease. Therefore, it has been classified as a Variant of Uncertain Significance. Algorithms developed to predict the effect of missense changes on protein structure and function are either unavailable or do not agree on the potential impact of this missense change (SIFT: "Deleterious"; PolyPhen-2: "Probably Damaging"; Align-GVGD: "Class C0"). This variant has not been reported in the literature in individuals with MEGF10-related conditions. This variant is not present in population databases (ExAC no frequency). This sequence change replaces tryptophan with cysteine at codon 737 of the MEGF10 protein (p.Trp737Cys). The tryptophan residue is highly conserved and there is a large physicochemical difference between tryptophan and cysteine.